The following is an entry in ClinVar:

ClinVar aggregate classification (germline): Uncertain significance (1 of 4 stars; one submission).

Conditions:
Congenital contractural arachnodactyly (CCA). Also called: Beals-Hecht syndrome; BEALS SYNDROME; Arthrogryposis, distal, type 9. Identifiers: Orphanet 115, MedGen C0220668, MONDO:0007363, OMIM 121050.

Submission:

Dasa
Classification: Uncertain significance for Congenital contractural arachnodactyly. Last evaluated: 2025-10-14. Review status: criteria provided, single submitter. Criteria: DASA Assertion Criteria. Collection method: clinical testing. Allele origin: germline.
Comment: NM_001999.4(FBN2):c.1327G>T (p.Ala443Ser) is a missense variant that results in the substitution of alanine with serine. This variant is rare in population databases. The currently available literature and clinical evidence are not sufficient to establish a definitive association between this variant and the reported condition. Therefore, this variant is classified as a variant of uncertain significance.

NM_001999.4(FBN2):c.1327G>T (p.Ala443Ser)

Gene: FBN2 (fibrillin 2; minus strand). Cytogenetic location: 5q23.3.
Variant type: single nucleotide variant.
Coding change: c.1327G>T on transcript NM_001999.4 (MANE Select); coding-DNA position 1327, G replaced by T.
Protein change: p.Ala443Ser; replaces alanine 443 with serine.
Molecular consequence: missense variant.
Genome position (GRCh38, 1-based): chr5:128,393,273, C>A on the plus strand (G>T on the coding strand, the complement: FBN2 is on the minus strand). VCF-style: chr5-128393273-C-A. GRCh37 (hg19) VCF-style: chr5-127728966-C-A.
Other names: short protein forms A443S.
Identifiers: ClinVar variation 4881066 (VCV004881066.2).